The following is an entry in ClinVar:

NM_017780.4(CHD7):c.4734C>G (p.Asp1578Glu)

Gene: CHD7 (chromodomain helicase DNA binding protein 7; plus strand). Cytogenetic location: 8q12.2.
Variant type: single nucleotide variant.
Coding change: c.4734C>G on transcript NM_017780.4 (MANE Select); coding-DNA position 4734, C replaced by G.
Protein change: p.Asp1578Glu; replaces aspartic acid 1578 with glutamic acid.
Molecular consequence: missense variant. On other transcripts: intron variant (1).
Genome position (GRCh38, 1-based): chr8:60,841,936, C>G. VCF-style: chr8-60841936-C-G. GRCh37 (hg19) VCF-style: chr8-61754495-C-G.
Other names: c.1717-20293C>G (NM_001316690.1); c.4734C>G (NM_017780.3); short protein forms D1578E.
Identifiers: ClinVar variation 1309738 (VCV001309738.7), dbSNP rs1434566381, ClinGen allele CA371319232.

ClinVar aggregate classification (germline): Conflicting classifications of pathogenicity. Review status: criteria provided, conflicting classifications (1 of 4 stars). 4 submissions from 4 submitters: Uncertain significance (3); Likely benign (1). Last evaluated 2023-10-16.

Conditions:
Hypogonadotropic hypogonadism 5 with or without anosmia (KAL5). Also called: HYPOGONADOTROPIC HYPOGONADISM 5 WITH ANOSMIA; CHD7-Related GnRH Deficiency (Kallmann Syndrome 5); HYPOGONADOTROPHIC HYPOGONADISM 5 WITHOUT ANOSMIA. Identifiers: Orphanet 478, MedGen C3552553, MONDO:0012880, OMIM 612370. Disease mechanism: loss of function.
CHARGE syndrome (CHARGE). Also called: Hittner Hirsch Kreh syndrome; CHARGE ASSOCIATION--COLOBOMA, HEART ANOMALY, CHOANAL ATRESIA, RETARDATION, GENITAL AND EAR ANOMALIES; Coloboma, heart anomaly, choanal atresia, retardation, genital and ear anomalies; CHARGE association; Hall-Hittner syndrome. Identifiers: Orphanet 138, MedGen C0265354, MONDO:0008965.
Inborn genetic diseases. Identifiers: MedGen C0950123, MeSH D030342.

Allele frequency attached by ClinVar (database versions not stated): gnomAD exomes below 0.00001.
gnomAD v4.1: 1 of 1,612,518 alleles (0.000062%); highest among the groups gnomAD compares: Admixed American, 0.0017%; no homozygotes.

Submissions (4):

Ambry Genetics
Classification: Uncertain significance for Inborn genetic diseases. Last evaluated: 2023-10-16. Review status: criteria provided, single submitter. Criteria: Ambry Variant Classification Scheme 2023. Collection method: clinical testing. Allele origin: germline.

Labcorp Genetics (formerly Invitae), Labcorp
Classification: Likely benign for CHARGE syndrome. Last evaluated: 2023-01-01. Review status: criteria provided, single submitter. Criteria: Invitae Variant Classification Sherloc (09022015). Collection method: clinical testing. Allele origin: germline.

Fulgent Genetics
Classification: Uncertain significance for CHD7-related CHARGE syndrome; Hypogonadotropic hypogonadism 5 with or without anosmia. Last evaluated: 2022-02-05. Review status: criteria provided, single submitter. Criteria: ACMG Guidelines, 2015. Collection method: clinical testing. Allele origin: unknown.

GeneDx
Classification: Uncertain significance. Last evaluated: 2019-10-29. Review status: criteria provided, single submitter. Criteria: GeneDx Variant Classification Process June 2021. Collection method: clinical testing. Allele origin: germline. Affected: yes.
Comment: Not observed at a significant frequency in large population cohorts (Lek et al., 2016); In silico analysis, which includes protein predictors and evolutionary conservation, supports that this variant does not alter protein structure/function; Has not been previously published as pathogenic or benign to our knowledge